The following is an entry in ClinVar:

ClinVar aggregate classification (germline): Likely benign (1 of 4 stars; one submission).

Allele frequency attached by ClinVar (database versions not stated): TOPMed below 0.00001; gnomAD 0.00001.
gnomAD v4.1: 1 of 1,614,000 alleles (0.000062%); highest among the groups gnomAD compares: Non-Finnish European, 0.000085%; no homozygotes.

Submission:

CeGaT Center for Human Genetics Tuebingen
Classification: Likely benign. Last evaluated: 2022-06-01. Review status: criteria provided, single submitter. Criteria: CeGaT Center For Human Genetics Tuebingen Variant Classification Criteria Version 2. Collection method: clinical testing. Allele origin: germline. Affected: yes. Observed: 1 variant allele.
Comment: SYNE2: BP4, BP7

NM_182914.3(SYNE2):c.3087T>C (p.Leu1029=)

Gene: SYNE2 (spectrin repeat containing nuclear envelope protein 2; plus strand). Cytogenetic location: 14q23.2.
Variant type: single nucleotide variant.
Coding change: c.3087T>C on transcript NM_182914.3 (MANE Select); coding-DNA position 3087, T replaced by C.
Protein change: p.Leu1029=; no amino-acid change (leucine 1029 retained).
Molecular consequence: synonymous variant.
Genome position (GRCh38, 1-based): chr14:63,997,093, T>C. VCF-style: chr14-63997093-T-C. GRCh37 (hg19) VCF-style: chr14-64463811-T-C.
Other names: c.3087T>C, p.Leu1029= (NM_015180.6).
Identifiers: ClinVar variation 2644282 (VCV002644282.24), dbSNP rs2096719389, ClinGen allele CA486715665.